The following is an entry in ClinVar:

NM_015662.3(IFT172):c.3489T>G (p.Ala1163=)

Gene: IFT172 (intraflagellar transport 172; minus strand). Cytogenetic location: 2p23.3.
Variant type: single nucleotide variant.
Coding change: c.3489T>G on transcript NM_015662.3 (MANE Select); coding-DNA position 3489, T replaced by G.
Protein change: p.Ala1163=; no amino-acid change (alanine 1163 retained).
Molecular consequence: synonymous variant.
Genome position (GRCh38, 1-based): chr2:27,454,395, A>C on the plus strand (T>G on the coding strand, the complement: IFT172 is on the minus strand). VCF-style: chr2-27454395-A-C. GRCh37 (hg19) VCF-style: chr2-27677262-A-C.
Identifiers: ClinVar variation 509486 (VCV000509486.4), dbSNP rs575600732, ClinGen allele CA44490737.

ClinVar aggregate classification (germline): Likely benign. Review status: criteria provided, multiple submitters, no conflicts (2 of 4 stars). 3 submissions from 3 submitters: Likely benign (2). 1 of the submissions does not count toward it. Last evaluated 2025-09-30.

Conditions:
Short-rib thoracic dysplasia 10 with or without polydactyly (SRTD10). Identifiers: Orphanet 474, MedGen C3810175, MONDO:0014284, OMIM 615630.
Retinitis pigmentosa 71 (RP71). Identifiers: Orphanet 791, MedGen C4225342, MONDO:0014618, OMIM 616394.
IFT172-related disorder. Also called: IFT172-related condition; IFT172-related disorders.

Allele frequency attached by ClinVar (database versions not stated): gnomAD exomes 0.00001; TOPMed 0.00002; gnomAD 0.00004.
gnomAD v4.1: 22 of 1,614,106 alleles (0.0014%); highest among the groups gnomAD compares: Non-Finnish European, 0.0018%; no homozygotes.

Submissions (3):

Labcorp Genetics (formerly Invitae), Labcorp
Classification: Likely benign for Retinitis pigmentosa 71; Short-rib thoracic dysplasia 10 with or without polydactyly. Last evaluated: 2025-09-30. Review status: criteria provided, single submitter. Criteria: Invitae Variant Classification Sherloc (09022015). Collection method: clinical testing. Allele origin: germline.

GeneDx
Classification: Likely benign. Last evaluated: 2017-05-15. Review status: criteria provided, single submitter. Criteria: GeneDx Variant Classification (06012015). Collection method: clinical testing. Allele origin: germline. Affected: yes.
Comment: This variant is considered likely benign or benign based on one or more of the following criteria: it is a conservative change, it occurs at a poorly conserved position in the protein, it is predicted to be benign by multiple in silico algorithms, and/or has population frequency not consistent with disease.

PreventionGenetics, part of Exact Sciences
Classification: Likely benign for IFT172-related condition. Last evaluated: 2023-03-31. Review status: no assertion criteria provided. Collection method: clinical testing. Allele origin: germline. Not counted in ClinVar's aggregate classification.
Comment: This variant is classified as likely benign based on ACMG/AMP sequence variant interpretation guidelines (Richards et al. 2015 PMID: 25741868, with internal and published modifications).